The following is an entry in ClinVar:

NM_019108.4(SMG9):c.240dup (p.Pro81fs)

Genes: SMG9 (SMG9 nonsense mediated mRNA decay factor; minus strand), LOC130064611 (ATAC-STARR-seq lymphoblastoid silent region 10728; plus strand). Cytogenetic location: 19q13.31.
Variant type: Duplication.
Coding change: c.240dup on transcript NM_019108.4 (MANE Select); coding-DNA position 240, one base duplicated (A; older notation c.240dupA).
Protein change: p.Pro81fs; shifts the reading frame from proline 81.
Molecular consequence: frameshift variant.
Genome position (GRCh38, 1-based): chr19:43,747,883, T duplicated on the plus strand (A on the coding strand, the reverse complement: SMG9 is on the minus strand). VCF-style (leftmost placement, unchanged base first): chr19-43747882-G-GT. GRCh37 (hg19) VCF-style: chr19-44252034-G-GT.
Other names: c.240dupA (NM_019108.4); short protein forms P81fs.
Identifiers: ClinVar variation 3902611 (VCV003902611.1).

ClinVar aggregate classification (germline): Pathogenic (1 of 4 stars; one submission).

Conditions:
Neurodevelopmental disorder with intention tremor, pyramidal signs, dyspraxia, and ocular anomalies (NEDITPO). Identifiers: MedGen C5774196, MONDO:0859274, OMIM 619995.

Submission:

Women's Health and Genetics/Laboratory Corporation of America, LabCorp
Classification: Pathogenic for Neurodevelopmental disorder with intention tremor, pyramidal signs, dyspraxia, and ocular anomalies. Last evaluated: 2025-05-28. Review status: criteria provided, single submitter. Criteria: LabCorp Variant Classification Summary - May 2015. Collection method: clinical testing. Allele origin: germline.
Comment: Variant summary: SMG9 c.240dupA (p.Pro81ThrfsX40) results in a premature termination codon, predicted to cause a truncation of the encoded protein or absence of the protein due to nonsense mediated decay, which are commonly known mechanisms for disease. The variant was absent in 249262 control chromosomes. To our knowledge, no occurrence of c.240dupA in individuals affected with Neurodevelopmental Disorder With Intention Tremor, Pyramidal Signs, Dyspraxia, And Ocular Anomalies and no experimental evidence demonstrating its impact on protein function have been reported. No submitters have cited clinical-significance assessments for this variant to ClinVar. Based on the evidence outlined above, the variant was classified as pathogenic.